The following is an entry in ClinVar:

ClinVar aggregate classification (germline): Pathogenic/Likely pathogenic. Review status: criteria provided, multiple submitters, no conflicts (2 of 4 stars). 2 submissions from 2 submitters: Pathogenic (1); Likely pathogenic (1). Last evaluated 2024-06-24.

Conditions:
Niemann-Pick disease, type B. Also called: Chronic Visceral ASMD (Niemann-Pick Disease Type B; NPD-B). Identifiers: Orphanet 77293, MedGen C0268243, MONDO:0011871, OMIM 607616. Disease mechanism: loss of function.
Niemann-Pick disease, type A. Also called: Infantile Neurovisceral ASMD (Niemann-Pick Disease Type A; NPD-A); SPHINGOMYELIN LIPIDOSIS; SPHINGOMYELINASE DEFICIENCY. Identifiers: Orphanet 77292, MedGen C0268242, MONDO:0009756, OMIM 257200. Disease mechanism: loss of function.

Submissions (2):

Labcorp Genetics (formerly Invitae), Labcorp
Classification: Pathogenic for Niemann-Pick disease, type B; Niemann-Pick disease, type A. Last evaluated: 2024-06-24. Review status: criteria provided, single submitter. Criteria: Invitae Variant Classification Sherloc (09022015). Collection method: clinical testing. Allele origin: germline.
Comment: This sequence change creates a premature translational stop signal (p.Ala370Glyfs*21) in the SMPD1 gene. It is expected to result in an absent or disrupted protein product. Loss-of-function variants in SMPD1 are known to be pathogenic (PMID: 12369017, 15221801). This variant is not present in population databases (gnomAD no frequency). This variant has not been reported in the literature in individuals affected with SMPD1-related conditions. ClinVar contains an entry for this variant (Variation ID: 640937). For these reasons, this variant has been classified as Pathogenic.

Fulgent Genetics
Classification: Likely pathogenic for Niemann-Pick disease, type A; Niemann-Pick disease, type B. Last evaluated: 2024-05-13. Review status: criteria provided, single submitter. Criteria: ACMG Guidelines, 2015. Collection method: clinical testing. Allele origin: germline.

Literature cited by the submitters: PubMed 12369017 (cited by Labcorp Genetics (formerly Invitae), Labcorp); PubMed 15221801 (cited by Labcorp Genetics (formerly Invitae), Labcorp).

NM_000543.5(SMPD1):c.1108dup (p.Ala370fs)

Gene: SMPD1 (sphingomyelin phosphodiesterase 1; plus strand). Cytogenetic location: 11p15.4.
Variant type: Duplication.
Coding change: c.1108dup on transcript NM_000543.5 (MANE Select); coding-DNA position 1108, one base duplicated (G; older notation c.1108dupG).
Protein change: p.Ala370fs; shifts the reading frame from alanine 370.
Molecular consequence: frameshift variant. On other transcripts: non-coding transcript variant (1), intron variant (1).
Genome position (GRCh38, 1-based): chr11:6,393,232, G duplicated. VCF-style (leftmost placement, unchanged base first): chr11-6393231-T-TG. GRCh37 (hg19) VCF-style: chr11-6414461-T-TG.
Other names: c.1108dupG (NM_000543.4); c.1105dup, p.Ala369fs (NM_001007593.3); c.1108dup, p.Ala370fs (NM_001318087.2); c.187dup, p.Ala63fs (NM_001318088.2); c.1132-385dup (NM_001365135.2); short protein forms A370fs, A63fs, A369fs.
Identifiers: ClinVar variation 640937 (VCV000640937.8), dbSNP rs1590743683, ClinGen allele CA915947964.